The following is an entry in ClinVar:

ClinVar aggregate classification (germline): Uncertain significance (1 of 4 stars; one submission).

Allele frequency attached by ClinVar (database versions not stated): gnomAD exomes 0.00001 and 0.00002; ExAC 0.00002; gnomAD 0.00003; TOPMed 0.00004; 1000 Genomes Project 30x 0.00016; 1000 Genomes Project 0.00020.
gnomAD v4.1: 15 of 1,613,728 alleles (0.00093%); highest among the groups gnomAD compares: Admixed American, 0.012%; no homozygotes.

Submission:

Labcorp Genetics (formerly Invitae), Labcorp
Classification: Uncertain significance. Last evaluated: 2022-08-16. Review status: criteria provided, single submitter. Criteria: Invitae Variant Classification Sherloc (09022015). Collection method: clinical testing. Allele origin: germline.
Comment: This sequence change replaces cysteine, which is neutral and slightly polar, with serine, which is neutral and polar, at codon 715 of the CCDC88A protein (p.Cys715Ser). This variant is present in population databases (rs572379840, gnomAD 0.009%). This variant has not been reported in the literature in individuals affected with CCDC88A-related conditions. ClinVar contains an entry for this variant (Variation ID: 1429745). Algorithms developed to predict the effect of missense changes on protein structure and function (SIFT, PolyPhen-2, Align-GVGD) all suggest that this variant is likely to be tolerated. In summary, the available evidence is currently insufficient to determine the role of this variant in disease. Therefore, it has been classified as a Variant of Uncertain Significance.

NM_001365480.1(CCDC88A):c.2143T>A (p.Cys715Ser)

Gene: CCDC88A (coiled-coil domain containing 88A; minus strand). Cytogenetic location: 2p16.1.
Variant type: single nucleotide variant.
Coding change: c.2143T>A on transcript NM_001365480.1 (MANE Select); coding-DNA position 2143, T replaced by A.
Protein change: p.Cys715Ser; replaces cysteine 715 with serine.
Molecular consequence: missense variant.
Genome position (GRCh38, 1-based): chr2:55,334,678, A>T on the plus strand (T>A on the coding strand, the complement: CCDC88A is on the minus strand). VCF-style: chr2-55334678-A-T. GRCh37 (hg19) VCF-style: chr2-55561814-A-T.
Other names: c.2143T>A, p.Cys715Ser (NM_001135597.2, NM_001254943.2, NM_018084.5); short protein forms C715S.
Identifiers: ClinVar variation 1429745 (VCV001429745.3), dbSNP rs572379840, ClinGen allele CA1666024.